The following is an entry in ClinVar:

ClinVar aggregate classification (germline): Benign (1 of 4 stars; one submission).

Conditions:
Pheochromocytoma. Also called: MAX-Related Hereditary Paraganglioma-Pheochromocytoma Syndrome. Identifiers: Orphanet 29072, MedGen C0031511, MONDO:0008233, OMIM 171300, HP:0002666.

Allele frequency attached by ClinVar (database versions not stated): gnomAD 0.00002 and 0.00012; TOPMed 0.00002; 1000 Genomes Project 30x 0.00047; 1000 Genomes Project 0.00060; gnomAD exomes 0.00174.
gnomAD v4.1: 147 of 233,332 alleles (0.063%); highest among the groups gnomAD compares: East Asian, 0.89%; 1 homozygote.

Submission:

Illumina Laboratory Services, Illumina
Classification: Benign for Pheochromocytoma. Last evaluated: 2018-01-13. Review status: criteria provided, single submitter. Criteria: ICSL Variant Classification Criteria 13 December 2019. Collection method: clinical testing. Allele origin: germline.
Comment: This variant was observed in the ICSL laboratory as part of a predisposition screen in an ostensibly healthy population. It had not been previously curated by ICSL or reported in the Human Gene Mutation Database (HGMD: prior to June 1st, 2018), and was therefore a candidate for classification through an automated scoring system. Utilizing variant allele frequency, disease prevalence and penetrance estimates, and inheritance mode, an automated score was calculated to assess if this variant is too frequent to cause the disease. Based on the score and internal cut-off values, a variant classified as benign is not then subjected to further curation. The score for this variant resulted in a classification of benign for this disease.

NM_017849.4(TMEM127):c.*1505A>G

Gene: TMEM127 (transmembrane protein 127; minus strand). Cytogenetic location: 2q11.2.
Variant type: single nucleotide variant.
Coding change: c.*1505A>G on transcript NM_017849.4 (MANE Select); 1505 bases downstream of the stop codon, A replaced by G.
Molecular consequence: 3 prime UTR variant.
Genome position (GRCh38, 1-based): chr2:96,252,303, T>C on the plus strand (A>G on the coding strand, the complement: TMEM127 is on the minus strand). VCF-style: chr2-96252303-T-C. GRCh37 (hg19) VCF-style: chr2-96918041-T-C.
Other names: c.*1505A>G (NM_001193304.3).
Identifiers: ClinVar variation 895877 (VCV000895877.4), dbSNP rs118172849, ClinGen allele CA52411025.